The following is an entry in ClinVar:

ClinVar aggregate classification (germline): Uncertain significance. Review status: criteria provided, multiple submitters, no conflicts (2 of 4 stars). 2 submissions from 2 submitters: Uncertain significance (2). Last evaluated 2024-04-09.

Conditions:
Walker-Warburg congenital muscular dystrophy. Also called: Muscular dystrophy-dystroglycanopathy, type A; Walker-Warburg syndrome. Identifiers: Orphanet 899, MedGen C0265221, MONDO:0000171.
Cardiovascular phenotype. Identifiers: MedGen CN230736.

Allele frequency attached by ClinVar (database versions not stated): gnomAD 0.00001; gnomAD exomes 0.00001; TOPMed 0.00001.
gnomAD v4.1: 9 of 1,608,354 alleles (0.00056%); highest among the groups gnomAD compares: Non-Finnish European, 0.00068%; no homozygotes.

Submissions (2):

Ambry Genetics
Classification: Uncertain significance for Cardiovascular phenotype. Last evaluated: 2024-04-09. Review status: criteria provided, single submitter. Criteria: Ambry Variant Classification Scheme 2023. Collection method: clinical testing. Allele origin: germline.

Labcorp Genetics (formerly Invitae), Labcorp
Classification: Uncertain significance for Walker-Warburg congenital muscular dystrophy. Last evaluated: 2022-07-11. Review status: criteria provided, single submitter. Criteria: Invitae Variant Classification Sherloc (09022015). Collection method: clinical testing. Allele origin: germline.
Comment: This sequence change replaces alanine, which is neutral and non-polar, with threonine, which is neutral and polar, at codon 8 of the FKRP protein (p.Ala8Thr). The frequency data for this variant in the population databases is considered unreliable, as metrics indicate poor data quality at this position in the gnomAD database. This variant has not been reported in the literature in individuals affected with FKRP-related conditions. ClinVar contains an entry for this variant (Variation ID: 1421832). Algorithms developed to predict the effect of missense changes on protein structure and function (SIFT, PolyPhen-2, Align-GVGD) all suggest that this variant is likely to be tolerated. In summary, the available evidence is currently insufficient to determine the role of this variant in disease. Therefore, it has been classified as a Variant of Uncertain Significance.

NM_024301.5(FKRP):c.22G>A (p.Ala8Thr)

Gene: FKRP (fukutin related protein; plus strand). Cytogenetic location: 19q13.32.
Variant type: single nucleotide variant.
Coding change: c.22G>A on transcript NM_024301.5 (MANE Select); coding-DNA position 22, G replaced by A.
Protein change: p.Ala8Thr; replaces alanine 8 with threonine.
Molecular consequence: missense variant.
Genome position (GRCh38, 1-based): chr19:46,755,472, G>A. VCF-style: chr19-46755472-G-A. GRCh37 (hg19) VCF-style: chr19-47258729-G-A.
Other names: c.22G>A, p.Ala8Thr (NM_001039885.3); short protein forms A8T.
Identifiers: ClinVar variation 1421832 (VCV001421832.6), dbSNP rs1178928336, ClinGen allele CA406494512.